The following is an entry in ClinVar:

ClinVar aggregate classification (germline): Uncertain significance (1 of 4 stars; one submission).

gnomAD v4.1: 7 of 1,613,746 alleles (0.00043%); highest among the groups gnomAD compares: Non-Finnish European, 0.00059%; no homozygotes.

Submission:

GeneDx
Classification: Uncertain significance. Last evaluated: 2024-11-27. Review status: criteria provided, single submitter. Criteria: GeneDx Variant Classification Process June 2021. Collection method: clinical testing. Allele origin: germline. Affected: yes.
Comment: Not observed at significant frequency in large population cohorts (gnomAD); In silico analysis supports that this missense variant has a deleterious effect on protein structure/function; Has not been previously published as pathogenic or benign to our knowledge

NM_173076.3(ABCA12):c.5986G>T (p.Gly1996Cys)

Genes: ABCA12 (ATP binding cassette subfamily A member 12; minus strand), SNHG31 (small nucleolar RNA host gene 31; plus strand). Cytogenetic location: 2q35.
Variant type: single nucleotide variant.
Coding change: c.5986G>T on transcript NM_173076.3 (MANE Select); coding-DNA position 5986, G replaced by T.
Protein change: p.Gly1996Cys; replaces glycine 1996 with cysteine.
Molecular consequence: missense variant. On other transcripts: non-coding transcript variant (1).
Genome position (GRCh38, 1-based): chr2:214,958,408, C>A on the plus strand (G>T on the coding strand, the complement: ABCA12 is on the minus strand). VCF-style: chr2-214958408-C-A. GRCh37 (hg19) VCF-style: chr2-215823132-C-A.
Other names: c.5032G>T, p.Gly1678Cys (NM_015657.4); short protein forms G1678C, G1996C.
Identifiers: ClinVar variation 3900917 (VCV003900917.1).